The following is an entry in ClinVar:

NM_006245.4(PPP2R5D):c.937C>G (p.Leu313Val)

Gene: PPP2R5D (protein phosphatase 2 regulatory subunit B'delta; plus strand). Cytogenetic location: 6p21.1.
Variant type: single nucleotide variant.
Coding change: c.937C>G on transcript NM_006245.4 (MANE Select); coding-DNA position 937, C replaced by G.
Protein change: p.Leu313Val; replaces leucine 313 with valine.
Molecular consequence: missense variant.
Genome position (GRCh38, 1-based): chr6:43,008,386, C>G. VCF-style: chr6-43008386-C-G. GRCh37 (hg19) VCF-style: chr6-42976124-C-G.
Other names: c.484C>G, p.Leu162Val (NM_001270476.2); c.841C>G, p.Leu281Val (NM_180976.3); c.619C>G, p.Leu207Val (NM_180977.3); short protein forms L162V, L207V, L313V, L281V.
Identifiers: ClinVar variation 964076 (VCV000964076.12), dbSNP rs866594047, ClinGen allele CA364191542.

ClinVar aggregate classification (germline): Uncertain significance. Review status: criteria provided, multiple submitters, no conflicts (2 of 4 stars). 2 submissions from 2 submitters: Uncertain significance (2). Last evaluated 2022-07-25.

Conditions:
Inborn genetic diseases. Identifiers: MedGen C0950123, MeSH D030342.

Allele frequency attached by ClinVar (database versions not stated): TOPMed below 0.00001; gnomAD 0.00001.
gnomAD v4.1: 2 of 1,613,938 alleles (0.00012%); highest among the groups gnomAD compares: Admixed American, 0.0017%; no homozygotes.

Submissions (2):

Labcorp Genetics (formerly Invitae), Labcorp
Classification: Uncertain significance. Last evaluated: 2022-07-25. Review status: criteria provided, single submitter. Criteria: Invitae Variant Classification Sherloc (09022015). Collection method: clinical testing. Allele origin: germline.
Comment: ClinVar contains an entry for this variant (Variation ID: 964076). In summary, the available evidence is currently insufficient to determine the role of this variant in disease. Therefore, it has been classified as a Variant of Uncertain Significance. Algorithms developed to predict the effect of missense changes on protein structure and function (SIFT, PolyPhen-2, Align-GVGD) all suggest that this variant is likely to be disruptive. This variant has not been reported in the literature in individuals affected with PPP2R5D-related conditions. This variant is not present in population databases (gnomAD no frequency). This sequence change replaces leucine, which is neutral and non-polar, with valine, which is neutral and non-polar, at codon 313 of the PPP2R5D protein (p.Leu313Val).

Ambry Genetics
Classification: Uncertain significance for Inborn genetic diseases. Last evaluated: 2018-05-15. Review status: criteria provided, single submitter. Criteria: Ambry exome assertion method (8-5-2015). Collection method: clinical testing. Allele origin: germline. Affected: yes. Observed: 1 variant allele.